The following is an entry in ClinVar:

ClinVar aggregate classification (germline): Uncertain significance (1 of 4 stars; one submission).

Submission:

Labcorp Genetics (formerly Invitae), Labcorp
Classification: Uncertain significance. Last evaluated: 2025-04-03. Review status: criteria provided, single submitter. Criteria: Invitae Variant Classification Sherloc (09022015). Collection method: clinical testing. Allele origin: germline.
Comment: This sequence change replaces serine, which is neutral and polar, with threonine, which is neutral and polar, at codon 117 of the POLR1D protein (p.Ser117Thr). This variant is not present in population databases (gnomAD no frequency). This variant has not been reported in the literature in individuals affected with POLR1D-related conditions. An algorithm developed to predict the effect of missense changes on protein structure and function (PolyPhen-2) suggests that this variant is likely to be tolerated. In summary, the available evidence is currently insufficient to determine the role of this variant in disease. Therefore, it has been classified as a Variant of Uncertain Significance.

NM_015972.4(POLR1D):c.350G>C (p.Ser117Thr)

Genes: POLR1D (RNA polymerase I and III subunit D; plus strand), LOC147380392 (uncharacterized LOC147380392; plus strand). Cytogenetic location: 13q12.2.
Variant type: single nucleotide variant.
Coding change: c.350G>C on transcript NM_015972.4 (MANE Select); coding-DNA position 350, G replaced by C.
Protein change: p.Ser117Thr; replaces serine 117 with threonine.
Molecular consequence: missense variant. On other transcripts: intron variant (2).
Genome position (GRCh38, 1-based): chr13:27,623,198, G>C. VCF-style: chr13-27623198-G-C. GRCh37 (hg19) VCF-style: chr13-28197335-G-C.
Other names: c.350G>C, p.Ser117Thr (NM_001374407.1); c.-59+2058G>C (NM_001206559.2); c.26+1189G>C (NM_152705.3); short protein forms S117T.
Identifiers: ClinVar variation 4768801 (VCV004768801.1).